The following is an entry in ClinVar:

NM_004100.5(EYA4):c.638C>A (p.Ser213Tyr)

Gene: EYA4 (EYA transcriptional coactivator and phosphatase 4; plus strand). Cytogenetic location: 6q23.2.
Variant type: single nucleotide variant.
Coding change: c.638C>A on transcript NM_004100.5 (MANE Select); coding-DNA position 638, C replaced by A.
Protein change: p.Ser213Tyr; replaces serine 213 with tyrosine.
Molecular consequence: missense variant.
Genome position (GRCh38, 1-based): chr6:133,462,678, C>A. VCF-style: chr6-133462678-C-A. GRCh37 (hg19) VCF-style: chr6-133783816-C-A.
Other names: c.476C>A, p.Ser159Tyr (NM_001301012.2, NM_001370459.1); c.638C>A, p.Ser213Tyr (NM_001301013.2, NM_172105.4); c.569C>A, p.Ser190Tyr (NM_001370458.1, NM_172103.4); short protein forms S159Y, S190Y, S213Y.
Identifiers: ClinVar variation 1713726 (VCV001713726.5), dbSNP rs2534567383, ClinGen allele CA365699154.

ClinVar aggregate classification (germline): Uncertain significance (1 of 4 stars; one submission).

Conditions:
Dilated cardiomyopathy 1J (CMD1J). Also called: CARDIOMYOPATHY, DILATED, WITH SENSORINEURAL HEARING LOSS, AUTOSOMAL DOMINANT. Identifiers: Orphanet 217622, MedGen C1854368, MONDO:0011541, OMIM 605362.

Submission:

Labcorp Genetics (formerly Invitae), Labcorp
Classification: Uncertain significance for Dilated cardiomyopathy 1J. Last evaluated: 2024-06-03. Review status: criteria provided, single submitter. Criteria: Invitae Variant Classification Sherloc (09022015). Collection method: clinical testing. Allele origin: germline.
Comment: This sequence change replaces serine, which is neutral and polar, with tyrosine, which is neutral and polar, at codon 213 of the EYA4 protein (p.Ser213Tyr). This variant is not present in population databases (gnomAD no frequency). This variant has not been reported in the literature in individuals affected with EYA4-related conditions. ClinVar contains an entry for this variant (Variation ID: 1713726). Advanced modeling of protein sequence and biophysical properties (such as structural, functional, and spatial information, amino acid conservation, physicochemical variation, residue mobility, and thermodynamic stability) performed at Invitae indicates that this missense variant is not expected to disrupt EYA4 protein function with a negative predictive value of 80%. In summary, the available evidence is currently insufficient to determine the role of this variant in disease. Therefore, it has been classified as a Variant of Uncertain Significance.